The following is an entry in ClinVar:

ClinVar aggregate classification (germline): Likely benign. Review status: criteria provided, multiple submitters, no conflicts (2 of 4 stars). 2 submissions from 2 submitters: Likely benign (2). Last evaluated 2025-10-17.

Allele frequency attached by ClinVar (database versions not stated): TOPMed 0.00002; gnomAD 0.00003; 1000 Genomes Project 0.00020; gnomAD exomes below 0.00001 and 0.00002; ExAC 0.00002; 1000 Genomes Project 30x 0.00031.
gnomAD v4.1: 16 of 1,614,142 alleles (0.00099%); highest among the groups gnomAD compares: Admixed American, 0.0067%; no homozygotes.

Submissions (2):

Labcorp Genetics (formerly Invitae), Labcorp
Classification: Likely benign. Last evaluated: 2025-10-17. Review status: criteria provided, single submitter. Criteria: Invitae Variant Classification Sherloc (09022015). Collection method: clinical testing. Allele origin: germline.

CeGaT Center for Human Genetics Tuebingen
Classification: Likely benign. Last evaluated: 2023-07-01. Review status: criteria provided, single submitter. Criteria: CeGaT Center For Human Genetics Tuebingen Variant Classification Criteria Version 2. Collection method: clinical testing. Allele origin: germline. Affected: yes. Observed: 1 variant allele.
Comment: FAT4: BP4, BP7

NM_001291303.3(FAT4):c.3978A>G (p.Glu1326=)

Gene: FAT4 (FAT atypical cadherin 4; plus strand). Cytogenetic location: 4q28.1.
Variant type: single nucleotide variant.
Coding change: c.3978A>G on transcript NM_001291303.3 (MANE Select); coding-DNA position 3978, A replaced by G.
Protein change: p.Glu1326=; no amino-acid change (glutamic acid 1326 retained).
Molecular consequence: synonymous variant.
Genome position (GRCh38, 1-based): chr4:125,320,389, A>G. VCF-style: chr4-125320389-A-G. GRCh37 (hg19) VCF-style: chr4-126241544-A-G.
Other names: c.3978A>G, p.Glu1326= (NM_001291285.3, NM_024582.6).
Identifiers: ClinVar variation 1605772 (VCV001605772.32), dbSNP rs201916729, ClinGen allele CA3072395.